The following is an entry in ClinVar:

ClinVar aggregate classification (germline): Benign/Likely benign. Review status: criteria provided, multiple submitters, no conflicts (2 of 4 stars). 8 submissions from 8 submitters: Benign (7); Likely benign (1). Last evaluated 2026-09-01.

Conditions:
Glycogen storage disease, type VI (GSD6). Also called: Glycogen storage disease type 6; Hepatic glycogen phosphorylase deficiency; Glycogen storage disease type 6, due to phosphorylation; GSD VI; HERS DISEASE; PHOSPHORYLASE DEFICIENCY GLYCOGEN-STORAGE DISEASE OF LIVER. Identifiers: Orphanet 369, MedGen C0017925, MONDO:0009294, OMIM 232700.

Allele frequency attached by ClinVar (database versions not stated): 1000 Genomes Project 30x 0.00984; 1000 Genomes Project 0.01018; TOPMed 0.01135; gnomAD 0.01205 and 0.01232; ESP Exome Variant Server 0.01238; gnomAD exomes 0.01333 and 0.01704; ExAC 0.01377.
gnomAD v4.1: 26,821 of 1,614,030 alleles (1.7%); highest among the groups gnomAD compares: Non-Finnish European, 1.8%; 274 homozygotes.

Submissions (8):

CeGaT Center for Human Genetics Tuebingen
Classification: Benign. Last evaluated: 2026-09-01. Review status: criteria provided, single submitter. Criteria: CeGaT Center For Human Genetics Tuebingen Variant Classification Criteria Version 2. Collection method: clinical testing. Allele origin: germline. Affected: yes. Observed: 13 variant alleles.
Comment: PYGL: BS1, BS2

Labcorp Genetics (formerly Invitae), Labcorp
Classification: Benign for Glycogen storage disease, type VI. Last evaluated: 2026-01-20. Review status: criteria provided, single submitter. Criteria: Invitae Variant Classification Sherloc (09022015). Collection method: clinical testing. Allele origin: germline.

ARUP Laboratories, Molecular Genetics and Genomics, ARUP Laboratories
Classification: Benign for Glycogen storage disease, type VI. Last evaluated: 2025-01-21. Review status: criteria provided, single submitter. Criteria: ARUP Molecular Germline Variant Investigation Process 2024. Collection method: clinical testing. Allele origin: germline.

Mayo Clinic Laboratories, Mayo Clinic
Classification: Benign. Last evaluated: 2024-02-23. Review status: criteria provided, single submitter. Criteria: ACMG Guidelines, 2015. Collection method: clinical testing. Allele origin: germline. Observed: 18 variant alleles.
Comment: BA1, BS1, BP2, BP5

Illumina Laboratory Services, Illumina
Classification: Benign for Glycogen storage disease, type VI. Last evaluated: 2018-01-13. Review status: criteria provided, single submitter. Criteria: ICSL Variant Classification Criteria 13 December 2019. Collection method: clinical testing. Allele origin: germline.
Comment: This variant was observed in the ICSL laboratory as part of a predisposition screen in an ostensibly healthy population. It had not been previously curated by ICSL or reported in the Human Gene Mutation Database (HGMD: prior to June 1st, 2018), and was therefore a candidate for classification through an automated scoring system. Utilizing variant allele frequency, disease prevalence and penetrance estimates, and inheritance mode, an automated score was calculated to assess if this variant is too frequent to cause the disease. Based on the score and internal cut-off values, a variant classified as benign is not then subjected to further curation. The score for this variant resulted in a classification of benign for this disease.

Eurofins Ntd Llc (ga)
Classification: Benign. Last evaluated: 2016-02-10. Review status: criteria provided, single submitter. Criteria: EGL Classification Definitions 2015. Collection method: clinical testing. Allele origin: germline. Observed: 1 variant allele, 1 heterozygote.

Breakthrough Genomics
Classification: Likely benign. Review status: criteria provided, single submitter. Criteria: ACMG Guidelines, 2015. Collection method: not provided. Allele origin: germline. Inheritance: Autosomal recessive inheritance. Affected: yes.

PreventionGenetics, part of Exact Sciences
Classification: Benign. Review status: criteria provided, single submitter. Criteria: ACMG Guidelines, 2015. Collection method: clinical testing. Allele origin: germline.

NM_002863.5(PYGL):c.2416A>T (p.Ile806Leu)

Gene: PYGL (glycogen phosphorylase L; minus strand). Cytogenetic location: 14q22.1.
Variant type: single nucleotide variant.
Coding change: c.2416A>T on transcript NM_002863.5 (MANE Select); coding-DNA position 2416, A replaced by T.
Protein change: p.Ile806Leu; replaces isoleucine 806 with leucine.
Molecular consequence: missense variant.
Genome position (GRCh38, 1-based): chr14:50,905,520, T>A on the plus strand (A>T on the coding strand, the complement: PYGL is on the minus strand). VCF-style: chr14-50905520-T-A. GRCh37 (hg19) VCF-style: chr14-51372238-T-A.
Other names: c.2314A>T, p.Ile772Leu (NM_001163940.2); short protein forms I806L, I772L.
Identifiers: ClinVar variation 258841 (VCV000258841.49), dbSNP rs34313873, ClinGen allele CA7183102.